The following is an entry in ClinVar:

ClinVar aggregate classification (germline): Uncertain significance (1 of 4 stars; one submission).

Submission:

Labcorp Genetics (formerly Invitae), Labcorp
Classification: Uncertain significance. Last evaluated: 2022-04-12. Review status: criteria provided, single submitter. Criteria: Invitae Variant Classification Sherloc (09022015). Collection method: clinical testing. Allele origin: germline.
Comment: This sequence change creates a premature translational stop signal (p.Val185Phefs*34) in the SLC27A5 gene. It is expected to result in an absent or disrupted protein product. However, the current clinical and genetic evidence is not sufficient to establish whether loss-of-function variants in SLC27A5 cause disease. This variant is present in population databases (rs748923228, gnomAD 0.01%). This variant has not been reported in the literature in individuals affected with SLC27A5-related conditions. In summary, the available evidence is currently insufficient to determine the role of this variant in disease. Therefore, it has been classified as a Variant of Uncertain Significance.

NM_012254.3(SLC27A5):c.552del (p.Val185fs)

Gene: SLC27A5 (solute carrier family 27 member 5; minus strand). Cytogenetic location: 19q13.43.
Variant type: Deletion.
Coding change: c.552del on transcript NM_012254.3 (MANE Select); coding-DNA position 552, one base deleted (C; older notation c.552delC).
Protein change: p.Val185fs; shifts the reading frame from valine 185.
Molecular consequence: frameshift variant. On other transcripts: intron variant (1).
Genome position (GRCh38, 1-based): chr19:58,511,404, G deleted on the plus strand (C on the coding strand, the reverse complement: SLC27A5 is on the minus strand); the first of 2 consecutive G bases (chr19:58,511,404-58,511,405); deleting either gives the same sequence. VCF-style (leftmost placement, unchanged base first): chr19-58511403-CG-C. GRCh37 (hg19) VCF-style: chr19-59022770-CG-C.
Other names: c.436+116del (NM_001321196.2); short protein forms V185fs.
Identifiers: ClinVar variation 2165216 (VCV002165216.4), dbSNP rs748923228, ClinGen allele CA9718261.